The following is an entry in ClinVar:

ClinVar aggregate classification (germline): Uncertain significance (1 of 4 stars; one submission).

Conditions:
Bethlem myopathy 1A. Also called: MYOPATHY, BENIGN CONGENITAL, WITH CONTRACTURES; Bethlem myopathy 1; Bethlem Muscular Dystrophy. Identifiers: Orphanet 610, MedGen CN029274, MONDO:0024530, OMIM 158810.

gnomAD v4.1: 9 of 1,614,082 alleles (0.00056%); highest among the groups gnomAD compares: Non-Finnish European, 0.00059%; no homozygotes.

Submission:

Labcorp Genetics (formerly Invitae), Labcorp
Classification: Uncertain significance for Bethlem myopathy 1A. Last evaluated: 2025-06-15. Review status: criteria provided, single submitter. Criteria: Invitae Variant Classification Sherloc (09022015). Collection method: clinical testing. Allele origin: germline.
Comment: This sequence change replaces aspartic acid, which is acidic and polar, with glycine, which is neutral and non-polar, at codon 1672 of the COL6A3 protein (p.Asp1672Gly). This variant is present in population databases (rs781541868, gnomAD 0.004%). This variant has not been reported in the literature in individuals affected with COL6A3-related conditions. Invitae Evidence Modeling of protein sequence and biophysical properties (such as structural, functional, and spatial information, amino acid conservation, physicochemical variation, residue mobility, and thermodynamic stability) indicates that this missense variant is not expected to disrupt COL6A3 protein function with a negative predictive value of 80%. In summary, the available evidence is currently insufficient to determine the role of this variant in disease. Therefore, it has been classified as a Variant of Uncertain Significance.

NM_004369.4(COL6A3):c.5015A>G (p.Asp1672Gly)

Gene: COL6A3 (collagen type VI alpha 3 chain; minus strand). Cytogenetic location: 2q37.3.
Variant type: single nucleotide variant.
Coding change: c.5015A>G on transcript NM_004369.4 (MANE Select); coding-DNA position 5015, A replaced by G.
Protein change: p.Asp1672Gly; replaces aspartic acid 1672 with glycine.
Molecular consequence: missense variant.
Genome position (GRCh38, 1-based): chr2:237,367,172, T>C on the plus strand (A>G on the coding strand, the complement: COL6A3 is on the minus strand). VCF-style: chr2-237367172-T-C. GRCh37 (hg19) VCF-style: chr2-238275815-T-C.
Other names: c.3194A>G, p.Asp1065Gly (NM_057166.5); c.4397A>G, p.Asp1466Gly (NM_057167.4); short protein forms D1466G, D1065G, D1672G.
Identifiers: ClinVar variation 4693238 (VCV004693238.1).